The following is an entry in ClinVar:

ClinVar aggregate classification (germline): Likely benign. Review status: criteria provided, multiple submitters, no conflicts (2 of 4 stars). 2 submissions from 2 submitters: Likely benign (2). Last evaluated 2024-05-01.

Conditions:
Spastic paraplegia. Identifiers: MedGen C0037772, HP:0001258.

Allele frequency attached by ClinVar (database versions not stated): gnomAD exomes 0.00005 and 0.00017; ExAC 0.00024; ESP Exome Variant Server 0.00038; gnomAD 0.00046 and 0.00051; 1000 Genomes Project 30x 0.00047; TOPMed 0.00053; 1000 Genomes Project 0.00060.

Submissions (2):

Labcorp Genetics (formerly Invitae), Labcorp
Classification: Likely benign for Spastic paraplegia. Last evaluated: 2024-05-01. Review status: criteria provided, single submitter. Criteria: Invitae Variant Classification Sherloc (09022015). Collection method: clinical testing. Allele origin: germline.

GeneDx
Classification: Likely benign. Last evaluated: 2017-05-30. Review status: criteria provided, single submitter. Criteria: GeneDx Variant Classification (06012015). Collection method: clinical testing. Allele origin: germline. Affected: yes.
Comment: This variant is considered likely benign or benign based on one or more of the following criteria: it is a conservative change, it occurs at a poorly conserved position in the protein, it is predicted to be benign by multiple in silico algorithms, and/or has population frequency not consistent with disease.

NM_020944.3(GBA2):c.568-19G>C

Gene: GBA2 (glucosylceramidase beta 2; minus strand). Cytogenetic location: 9p13.3.
Variant type: single nucleotide variant.
Coding change: c.568-19G>C on transcript NM_020944.3 (MANE Select); 19 bases into the intron before coding-DNA position 568, G replaced by C.
Molecular consequence: intron variant.
Genome position (GRCh38, 1-based): chr9:35,741,909, C>G on the plus strand (G>C on the coding strand, the complement: GBA2 is on the minus strand). VCF-style: chr9-35741909-C-G. GRCh37 (hg19) VCF-style: chr9-35741906-C-G.
Other names: c.568-19G>C (NM_001330660.2).
Identifiers: ClinVar variation 509718 (VCV000509718.6), dbSNP rs370430367, ClinGen allele CA5050670.